The following is an entry in ClinVar:

NM_000038.6(APC):c.4825C>G (p.Pro1609Ala)

Gene: APC (APC regulator of Wnt signaling pathway; plus strand). Cytogenetic location: 5q22.2.
Variant type: single nucleotide variant.
Coding change: c.4825C>G on transcript NM_000038.6 (MANE Select); coding-DNA position 4825, C replaced by G.
Protein change: p.Pro1609Ala; replaces proline 1609 with alanine.
Molecular consequence: missense variant. On other transcripts: non-coding transcript variant (2).
Genome position (GRCh38, 1-based): chr5:112,840,419, C>G. VCF-style: chr5-112840419-C-G. GRCh37 (hg19) VCF-style: chr5-112176116-C-G.
Other names: c.4825C>G, p.Pro1609Ala (NM_001127510.3, NM_001354895.2, NM_001407450.1); c.4771C>G, p.Pro1591Ala (NM_001127511.3); c.4879C>G, p.Pro1627Ala (NM_001354896.2, NM_001407447.1, NM_001407448.1 and 1 more transcripts); c.4855C>G, p.Pro1619Ala (NM_001354897.2); c.4750C>G, p.Pro1584Ala (NM_001354898.2); c.4741C>G, p.Pro1581Ala (NM_001354899.2); c.4702C>G, p.Pro1568Ala (NM_001354900.2); c.4648C>G, p.Pro1550Ala (NM_001354901.2, NM_001407453.1); and 11 more; short protein forms P1326A, P1483A, P1526A, P1508A, P1518A, P1609A, P1449A, P1550A.
Identifiers: ClinVar variation 2761963 (VCV002761963.3), dbSNP rs2149924778, ClinGen allele CA16031904.
Genomic context (GRCh38, chr5:112,840,419, plus strand): 5'-CGTAAAGCAAAAAAGCCAGCCCAGACTGCTTCAAAATTACCTCCACCTGTGGCAAGGAAA[C>G]CAAGTCAGCTGCCTGTGTACAAACTTCTACCATCACAAAACAGGTTGCAACCCCAAAAGC-3'
Protein context (NP_000029.2, residues 1599-1619): SKLPPPVARK[Pro1609Ala]SQLPVYKLLP

ClinVar aggregate classification (germline): Uncertain significance (1 of 4 stars; one submission).

Conditions:
Familial adenomatous polyposis 1 (FAP1). Also called: POLYPOSIS, ADENOMATOUS INTESTINAL; FAMILIAL ADENOMATOUS POLYPOSIS 1, ATTENUATED. Identifiers: MedGen C2713442, MONDO:0021056, OMIM 175100. Disease mechanism: loss of function.

Submission:

Labcorp Genetics (formerly Invitae), Labcorp
Classification: Uncertain significance for Familial adenomatous polyposis 1. Last evaluated: 2023-10-28. Review status: criteria provided, single submitter. Criteria: Invitae Variant Classification Sherloc (09022015). Collection method: clinical testing. Allele origin: germline.
Comment: This sequence change replaces proline, which is neutral and non-polar, with alanine, which is neutral and non-polar, at codon 1609 of the APC protein (p.Pro1609Ala). This variant is not present in population databases (gnomAD no frequency). This variant has not been reported in the literature in individuals affected with APC-related conditions. Advanced modeling of protein sequence and biophysical properties (such as structural, functional, and spatial information, amino acid conservation, physicochemical variation, residue mobility, and thermodynamic stability) performed at Invitae indicates that this missense variant is not expected to disrupt APC protein function with a negative predictive value of 95%. In summary, the available evidence is currently insufficient to determine the role of this variant in disease. Therefore, it has been classified as a Variant of Uncertain Significance.